The following is an entry in ClinVar:

ClinVar aggregate classification (germline): Conflicting classifications of pathogenicity. Review status: criteria provided, conflicting classifications (1 of 4 stars). 3 submissions from 3 submitters: Uncertain significance (2); Likely benign (1). Last evaluated 2025-06-06.

Conditions:
Hereditary cancer-predisposing syndrome. Also called: Hereditary Cancer Syndrome; Neoplastic Syndromes, Hereditary; Tumor predisposition; Hereditary neoplastic syndrome. Identifiers: Orphanet 140162, MedGen C0027672, MeSH D009386, MONDO:0015356.
Ataxia-telangiectasia syndrome (AT). Also called: Ataxia telangiectasia (A-T); Ataxia-telangiectasia, complementation group E; LOUIS-BAR SYNDROME; Cerebello-oculocutaneous telangiectasia; Immunodeficiency with ataxia telangiectasia; Ataxia-telangiectasia, complementation group D. Identifiers: Orphanet 100, MedGen C0004135, MONDO:0008840, OMIM 208900.

Allele frequency attached by ClinVar (database versions not stated): gnomAD exomes below 0.00001 and 0.00001; ExAC 0.00001.

Submissions (3):

Ambry Genetics
Classification: Likely benign for Hereditary cancer-predisposing syndrome. Last evaluated: 2025-06-06. Review status: criteria provided, single submitter. Criteria: Ambry Variant Classification Scheme 2023. Collection method: clinical testing. Allele origin: germline.

Labcorp Genetics (formerly Invitae), Labcorp
Classification: Uncertain significance for Ataxia-telangiectasia syndrome. Last evaluated: 2024-11-05. Review status: criteria provided, single submitter. Criteria: Invitae Variant Classification Sherloc (09022015). Collection method: clinical testing. Allele origin: germline.
Comment: This sequence change replaces proline, which is neutral and non-polar, with leucine, which is neutral and non-polar, at codon 631 of the ATM protein (p.Pro631Leu). This variant is present in population databases (rs756782634, gnomAD 0.0009%). This variant has not been reported in the literature in individuals affected with ATM-related conditions. ClinVar contains an entry for this variant (Variation ID: 229679). Invitae Evidence Modeling of protein sequence and biophysical properties (such as structural, functional, and spatial information, amino acid conservation, physicochemical variation, residue mobility, and thermodynamic stability) indicates that this missense variant is not expected to disrupt ATM protein function with a negative predictive value of 95%. In summary, the available evidence is currently insufficient to determine the role of this variant in disease. Therefore, it has been classified as a Variant of Uncertain Significance.

GeneDx
Classification: Uncertain significance. Last evaluated: 2019-01-16. Review status: criteria provided, single submitter. Criteria: GeneDx Variant Classification (06012015). Collection method: clinical testing. Allele origin: germline. Affected: yes.
Comment: This variant is denoted ATM c.1892C>T at the cDNA level, p.Pro631Leu (P631L) at the protein level, and results in the change of a Proline to a Leucine (CCA>CTA). This variant has not, to our knowledge, been published in the literature as pathogenic or benign. ATM Pro631Leu was not observed in approximately 6,500 individuals of European and African American ancestry in the NHLBI Exome Sequencing Project, indicating it is not a common benign variant in these populations. Since Proline and Leucine differ in some properties, this is considered a semi-conservative amino acid substitution. ATM Pro631Leu occurs at a position that is not conserved and is not located in a known functional domain. In silico analyses are inconsistent regarding the effect this variant may have on protein structure and function. Based on currently available information, it is unclear whether ATM Pro631Leu is pathogenic or benign. We consider it to be a variant of uncertain significance.

NM_000051.4(ATM):c.1892C>T (p.Pro631Leu)

Gene: ATM (ATM serine/threonine kinase; plus strand). Cytogenetic location: 11q22.3.
Variant type: single nucleotide variant.
Coding change: c.1892C>T on transcript NM_000051.4 (MANE Select); coding-DNA position 1892, C replaced by T.
Protein change: p.Pro631Leu; replaces proline 631 with leucine.
Molecular consequence: missense variant.
Genome position (GRCh38, 1-based): chr11:108,252,906, C>T. VCF-style: chr11-108252906-C-T. GRCh37 (hg19) VCF-style: chr11-108123633-C-T.
Other names: c.1892C>T, p.Pro631Leu (NM_001351834.2); short protein forms P631L.
Identifiers: ClinVar variation 229679 (VCV000229679.12), dbSNP rs756782634, ClinGen allele CA6264894.